The following is an entry in ClinVar:

NC_000012.11:g.(?_32729292)_(32793467_?)del

Gene: FGD4 (FYVE, RhoGEF and PH domain containing 4; plus strand). Cytogenetic location: 12p11.21.
Variant type: Deletion.
Identifiers: ClinVar variation 1457034 (VCV001457034.4).

ClinVar aggregate classification (germline): Pathogenic (1 of 4 stars; one submission).

Conditions:
Charcot-Marie-Tooth disease type 4. Also called: Charcot-Marie-Tooth disease, type IV; Charcot-Marie-Tooth, Type 4. Identifiers: Orphanet 64749, MedGen C4082197, MONDO:0018995.

Submission:

Labcorp Genetics (formerly Invitae), Labcorp
Classification: Pathogenic for Charcot-Marie-Tooth disease type 4. Last evaluated: 2021-10-18. Review status: criteria provided, single submitter. Criteria: Invitae Variant Classification Sherloc (09022015). Collection method: clinical testing. Allele origin: germline.
Comment: A similar copy number variant has been observed in individual(s) with Charcot-Marie-Tooth disease (PMID: 28902413). A gross deletion of the genomic region encompassing the full coding sequence of the FGD4 gene has been identified. Loss-of-function variants in FGD4 are known to be pathogenic (PMID: 17564972). The boundaries of this event are unknown as they extend beyond the assayed region for this gene and therefore may encompass additional genes. For these reasons, this variant has been classified as Pathogenic.

Literature cited by the submitters: PubMed 28902413; PubMed 17564972.